The following is an entry in ClinVar:

ClinVar aggregate classification (germline): Likely benign (1 of 4 stars; one submission).

Submission:

GeneDx
Classification: Likely benign. Last evaluated: 2016-01-25. Review status: criteria provided, single submitter. Criteria: GeneDx Variant Classification (06012015). Collection method: clinical testing. Allele origin: germline. Affected: yes.
Comment: This variant is considered likely benign or benign based on one or more of the following criteria: it is a conservative change, it occurs at a poorly conserved position in the protein, it is predicted to be benign by multiple in silico algorithms, and/or has population frequency not consistent with disease.

NM_182961.4(SYNE1):c.15917+20C>T

Gene: SYNE1 (spectrin repeat containing nuclear envelope protein 1; minus strand). Cytogenetic location: 6q25.2.
Variant type: single nucleotide variant.
Coding change: c.15917+20C>T on transcript NM_182961.4 (MANE Select); 20 bases into the intron after coding-DNA position 15917, C replaced by T.
Molecular consequence: intron variant.
Genome position (GRCh38, 1-based): chr6:152,323,458, G>A on the plus strand (C>T on the coding strand, the complement: SYNE1 is on the minus strand). VCF-style: chr6-152323458-G-A. GRCh37 (hg19) VCF-style: chr6-152644593-G-A.
Other names: c.15704+20C>T (NM_033071.5).
Identifiers: ClinVar variation 382892 (VCV000382892.1), dbSNP rs1057521479, ClinGen allele CA16604995.
Genomic context (GRCh38, chr6:152,323,458, plus strand): 5'-ATTTGCACTCCAGCCTGGGCGACAGAGCGAGACTCCAAACAAACAAACAAACAAAAGAAT[G>A]AAAGTAGGTGCTTAATTACTTCAGGCACCGATCTTGCATGGCGGTGATTTCCTGCATGAG-3'